The following is an entry in ClinVar:

NM_001378418.1(TCF20):c.4700del (p.Pro1567fs)

Gene: TCF20 (transcription factor 20; minus strand). Cytogenetic location: 22q13.2.
Variant type: Deletion.
Coding change: c.4700del on transcript NM_001378418.1 (MANE Select); coding-DNA position 4700, one base deleted (C; older notation c.4700delC).
Protein change: p.Pro1567fs; shifts the reading frame from proline 1567.
Molecular consequence: frameshift variant.
Genome position (GRCh38, 1-based): chr22:42,210,606, G deleted on the plus strand (C on the coding strand, the reverse complement: TCF20 is on the minus strand); the first of 2 consecutive G bases (chr22:42,210,606-42,210,607); deleting either gives the same sequence. VCF-style (leftmost placement, unchanged base first): chr22-42210605-TG-T. GRCh37 (hg19) VCF-style: chr22-42606611-TG-T.
Other names: c.4700del, p.Pro1567fs (NM_005650.4, NM_181492.3); short protein forms P1567fs.
Identifiers: ClinVar variation 4721025 (VCV004721025.1).

ClinVar aggregate classification (germline): Pathogenic (1 of 4 stars; one submission).

Submission:

Labcorp Genetics (formerly Invitae), Labcorp
Classification: Pathogenic. Last evaluated: 2025-06-09. Review status: criteria provided, single submitter. Criteria: Invitae Variant Classification Sherloc (09022015). Collection method: clinical testing. Allele origin: germline.
Comment: This sequence change creates a premature translational stop signal (p.Pro1567Glnfs*48) in the TCF20 gene. It is expected to result in an absent or disrupted protein product. Loss-of-function variants in TCF20 are known to be pathogenic (PMID: 30739909, 30819258). This variant is not present in population databases (gnomAD no frequency). This variant has not been reported in the literature in individuals affected with TCF20-related conditions. For these reasons, this variant has been classified as Pathogenic.

Literature cited by the submitters: PubMed 30739909; PubMed 30819258.